The following is an entry in ClinVar:

ClinVar aggregate classification (germline): Uncertain significance (1 of 4 stars; one submission).

Allele frequency attached by ClinVar (database versions not stated): gnomAD exomes below 0.00001.
gnomAD v4.1: 2 of 1,613,956 alleles (0.00012%); highest among the groups gnomAD compares: Non-Finnish European, 0.00017%; no homozygotes.

Submission:

GeneDx
Classification: Uncertain significance. Last evaluated: 2022-03-21. Review status: criteria provided, single submitter. Criteria: GeneDx Variant Classification Process June 2021. Collection method: clinical testing. Allele origin: germline. Affected: yes.
Comment: Not observed at significant frequency in large population cohorts (gnomAD); In silico analysis supports that this missense variant has a deleterious effect on protein structure/function; Has not been previously published as pathogenic or benign to our knowledge

NM_003128.3(SPTBN1):c.5608C>T (p.Leu1870Phe)

Gene: SPTBN1 (spectrin beta, non-erythrocytic 1; plus strand). Cytogenetic location: 2p16.2.
Variant type: single nucleotide variant.
Coding change: c.5608C>T on transcript NM_003128.3 (MANE Select); coding-DNA position 5608, C replaced by T.
Protein change: p.Leu1870Phe; replaces leucine 1870 with phenylalanine.
Molecular consequence: missense variant.
Genome position (GRCh38, 1-based): chr2:54,653,639, C>T. VCF-style: chr2-54653639-C-T. GRCh37 (hg19) VCF-style: chr2-54880776-C-T.
Other names: c.5569C>T, p.Leu1857Phe (NM_178313.3); short protein forms L1857F, L1870F.
Identifiers: ClinVar variation 1707360 (VCV001707360.2), dbSNP rs2549567786, ClinGen allele CA346852905.